The following is an entry in ClinVar:

ClinVar aggregate classification (germline): Uncertain significance (1 of 4 stars; one submission).

Allele frequency attached by ClinVar (database versions not stated): gnomAD 0.00002 and 0.00003; TOPMed 0.00004; gnomAD exomes 0.00005; ExAC 0.00011; 1000 Genomes Project 30x 0.00016; 1000 Genomes Project 0.00020.
gnomAD v4.1: 66 of 1,606,254 alleles (0.0041%); highest among the groups gnomAD compares: South Asian, 0.012%; no homozygotes.

Submission:

Labcorp Genetics (formerly Invitae), Labcorp
Classification: Uncertain significance. Last evaluated: 2022-11-01. Review status: criteria provided, single submitter. Criteria: Invitae Variant Classification Sherloc (09022015). Collection method: clinical testing. Allele origin: germline.
Comment: This sequence change replaces arginine, which is basic and polar, with histidine, which is basic and polar, at codon 1215 of the COL18A1 protein (p.Arg1215His). The frequency data for this variant in the population databases is considered unreliable, as metrics indicate poor data quality at this position in the gnomAD database. This variant has not been reported in the literature in individuals affected with COL18A1-related conditions. ClinVar contains an entry for this variant (Variation ID: 1400137). Experimental studies and prediction algorithms are not available or were not evaluated, and the functional significance of this variant is currently unknown. In summary, the available evidence is currently insufficient to determine the role of this variant in disease. Therefore, it has been classified as a Variant of Uncertain Significance.

NM_001379500.1(COL18A1):c.3653G>A (p.Arg1218His)

Genes: COL18A1 (collagen type XVIII alpha 1 chain; plus strand), SLC19A1 (solute carrier family 19 member 1; minus strand). Cytogenetic location: 21q22.3.
Variant type: single nucleotide variant.
Coding change: c.3653G>A on transcript NM_001379500.1 (MANE Select); coding-DNA position 3653, G replaced by A.
Protein change: p.Arg1218His; replaces arginine 1218 with histidine.
Molecular consequence: missense variant.
Genome position (GRCh38, 1-based): chr21:45,510,221, G>A. VCF-style: chr21-45510221-G-A. GRCh37 (hg19) VCF-style: chr21-46930135-G-A.
Other names: c.4184G>A, p.Arg1395His (NM_030582.4); c.4889G>A, p.Arg1630His (NM_130444.3); short protein forms R1218H, R1395H, R1630H.
Identifiers: ClinVar variation 1400137 (VCV001400137.3), dbSNP rs548296965, ClinGen allele CA10067989.